The following is an entry in ClinVar:

NM_003632.3(CNTNAP1):c.210del (p.Trp71fs)

Gene: CNTNAP1 (contactin associated protein 1; plus strand). Cytogenetic location: 17q21.2.
Variant type: Deletion.
Coding change: c.210del on transcript NM_003632.3 (MANE Select); coding-DNA position 210, one base deleted (C; older notation c.210delC).
Protein change: p.Trp71fs; shifts the reading frame from tryptophan 71.
Molecular consequence: frameshift variant.
Genome position (GRCh38, 1-based): chr17:42,684,076, C deleted; the last of 3 consecutive C bases (chr17:42,684,074-42,684,076); deleting any one gives the same sequence. VCF-style (leftmost placement, unchanged base first): chr17-42684073-TC-T. GRCh37 (hg19) VCF-style: chr17-40836091-TC-T.
Other names: short protein forms W71fs.
Identifiers: ClinVar variation 5000483 (VCV005000483.1).

ClinVar aggregate classification (germline): Likely pathogenic (1 of 4 stars; one submission).

Conditions:
CNTNAP1-related disorder. Also called: CNTNAP1-related disease; CNTNAP1-related condition.

Submission:

PreventionGenetics, part of Exact Sciences
Classification: Likely pathogenic for CNTNAP1-related condition. Last evaluated: 2024-12-17. Review status: criteria provided, single submitter. Criteria: ACMG Guidelines, 2015. Collection method: clinical testing. Allele origin: germline.
Comment: The CNTNAP1 c.210delC variant is predicted to result in a frameshift and premature protein termination (p.Trp71Glyfs*4). To our knowledge, this variant has not been reported in the literature or in a large population database (gnomAD), indicating this variant is rare. Frameshift variants in CNTNAP1 are expected to be pathogenic. This variant is interpreted as likely pathogenic.